The following is an entry in ClinVar:

ClinVar aggregate classification (germline): Uncertain significance (1 of 4 stars; one submission).

Conditions:
Kabuki syndrome. Also called: NIIKAWA-KUROKI SYNDROME; Kabuki make-up syndrome. Identifiers: Orphanet 2322, MedGen C0796004, MONDO:0016512.

Submission:

Labcorp Genetics (formerly Invitae), Labcorp
Classification: Uncertain significance for Kabuki syndrome. Last evaluated: 2024-02-10. Review status: criteria provided, single submitter. Criteria: Invitae Variant Classification Sherloc (09022015). Collection method: clinical testing. Allele origin: germline.
Comment: This sequence change replaces proline, which is neutral and non-polar, with threonine, which is neutral and polar, at codon 3625 of the KMT2D protein (p.Pro3625Thr). This variant is not present in population databases (gnomAD no frequency). This variant has not been reported in the literature in individuals affected with KMT2D-related conditions. Advanced modeling of protein sequence and biophysical properties (such as structural, functional, and spatial information, amino acid conservation, physicochemical variation, residue mobility, and thermodynamic stability) performed at Invitae indicates that this missense variant is not expected to disrupt KMT2D protein function with a negative predictive value of 95%. In summary, the available evidence is currently insufficient to determine the role of this variant in disease. Therefore, it has been classified as a Variant of Uncertain Significance.

NM_003482.4(KMT2D):c.10873C>A (p.Pro3625Thr)

Gene: KMT2D (lysine methyltransferase 2D; minus strand). Cytogenetic location: 12q13.12.
Variant type: single nucleotide variant.
Coding change: c.10873C>A on transcript NM_003482.4 (MANE Select); coding-DNA position 10873, C replaced by A.
Protein change: p.Pro3625Thr; replaces proline 3625 with threonine.
Molecular consequence: missense variant.
Genome position (GRCh38, 1-based): chr12:49,033,832, G>T on the plus strand (C>A on the coding strand, the complement: KMT2D is on the minus strand). VCF-style: chr12-49033832-G-T. GRCh37 (hg19) VCF-style: chr12-49427615-G-T.
Other names: short protein forms P3625T.
Identifiers: ClinVar variation 3667534 (VCV003667534.2).